The following is an entry in ClinVar:

ClinVar aggregate classification (germline): Likely benign. Review status: criteria provided, single submitter (1 of 4 stars). 2 submissions from 2 submitters: Likely benign (1). 1 of the submissions does not count toward it. Last evaluated 2024-02-24.

Conditions:
UGT1A1-related disorder. Also called: UGT1A1-related condition; UGT1A1-related disorders.

Allele frequency attached by ClinVar (database versions not stated): ExAC 0.00010; gnomAD 0.00013; gnomAD exomes 0.00014 and 0.00025; TOPMed 0.00015; ESP Exome Variant Server 0.00023.
gnomAD v4.1: 389 of 1,614,128 alleles (0.024%); highest among the groups gnomAD compares: Non-Finnish European, 0.031%; no homozygotes.

Submissions (2):

Labcorp Genetics (formerly Invitae), Labcorp
Classification: Likely benign. Last evaluated: 2024-02-24. Review status: criteria provided, single submitter. Criteria: Invitae Variant Classification Sherloc (09022015). Collection method: clinical testing. Allele origin: germline.

PreventionGenetics, part of Exact Sciences
Classification: Likely benign for UGT1A1-related condition. Last evaluated: 2022-04-10. Review status: no assertion criteria provided. Collection method: clinical testing. Allele origin: germline. Not counted in ClinVar's aggregate classification.
Comment: This variant is classified as likely benign based on ACMG/AMP sequence variant interpretation guidelines (Richards et al. 2015 PMID: 25741868, with internal and published modifications).

NM_000463.3(UGT1A1):c.282T>C (p.Ser94=)

Genes: UGT1A (UDP glucuronosyltransferase family 1 member A complex locus; plus strand), UGT1A1 (UDP glucuronosyltransferase family 1 member A1; plus strand), UGT1A10 (UDP glucuronosyltransferase family 1 member A10; plus strand), UGT1A3 (UDP glucuronosyltransferase family 1 member A3; plus strand), UGT1A4 (UDP glucuronosyltransferase family 1 member A4; plus strand) and 5 more. Cytogenetic location: 2q37.1.
Variant type: single nucleotide variant.
Coding change: c.282T>C on transcript NM_000463.3 (MANE Select); coding-DNA position 282, T replaced by C.
Protein change: p.Ser94=; no amino-acid change (serine 94 retained).
Molecular consequence: synonymous variant. On other transcripts: intron variant (9).
Genome position (GRCh38, 1-based): chr2:233,760,569, T>C. VCF-style: chr2-233760569-T-C. GRCh37 (hg19) VCF-style: chr2-234669215-T-C.
Other names: c.856-6465T>C (NM_019076.5, NM_019075.4, NM_021027.3 and 1 more transcripts); c.61-6465T>C (NM_205862.3); c.862-6465T>C (NM_001072.4); c.868-6465T>C (NM_019078.2, NM_007120.3, NM_019093.4).
Identifiers: ClinVar variation 733847 (VCV000733847.10), dbSNP rs146052898, ClinGen allele CA2179801.